The following is an entry in ClinVar:

NM_006384.4(CIB1):c.52-49C>G

Genes: CIB1 (calcium and integrin binding 1; minus strand), LOC130057907 (ATAC-STARR-seq lymphoblastoid silent region 6817; plus strand). Cytogenetic location: 15q26.1.
Variant type: single nucleotide variant.
Coding change: c.52-49C>G on transcript NM_006384.4 (MANE Select); 49 bases into the intron before coding-DNA position 52, C replaced by G.
Molecular consequence: intron variant.
Genome position (GRCh38, 1-based): chr15:90,233,752, G>C on the plus strand (C>G on the coding strand, the complement: CIB1 is on the minus strand). VCF-style: chr15-90233752-G-C. GRCh37 (hg19) VCF-style: chr15-90776984-G-C.
Other names: c.52-49C>G (NM_001277764.2).
Identifiers: ClinVar variation 2688463 (VCV002688463.2), dbSNP rs8025610, ClinGen allele CA7734359.

ClinVar aggregate classification (germline): Benign (1 of 4 stars; one submission).

Allele frequency attached by ClinVar (database versions not stated): 1000 Genomes Project 0.12780; 1000 Genomes Project 30x 0.12820; ExAC 0.13703; ESP Exome Variant Server 0.15205; gnomAD 0.15585; TOPMed 0.16616.
gnomAD v4.1: 233,638 of 1,554,372 alleles (15%); highest among the groups gnomAD compares: African/African-American, 20%; 18,873 homozygotes.

Submission:

Unidad de Genómica Garrahan, Hospital de Pediatría Garrahan
Classification: Benign. Last evaluated: 2024-01-24. Review status: criteria provided, single submitter. Criteria: ACMG Guidelines, 2015. Collection method: clinical testing. Allele origin: germline. Affected: no. Observed: 25 variant alleles.
Comment: This variant is classified as Benign based on local population frequency. This variant was detected in 28% of patients studied by a panel of primary immunodeficiencies. Number of patients: 25. Only high quality variants are reported.